The following is an entry in ClinVar:

NM_000179.3(MSH6):c.173G>T (p.Arg58Met)

Gene: MSH6 (mutS homolog 6; plus strand). Cytogenetic location: 2p16.3.
Variant type: single nucleotide variant.
Coding change: c.173G>T on transcript NM_000179.3 (MANE Select); coding-DNA position 173, G replaced by T.
Protein change: p.Arg58Met; replaces arginine 58 with methionine.
Molecular consequence: missense variant. On other transcripts: 5 prime UTR variant (1).
Genome position (GRCh38, 1-based): chr2:47,783,406, G>T. VCF-style: chr2-47783406-G-T. GRCh37 (hg19) VCF-style: chr2-48010545-G-T.
Other names: c.173G>T, p.Arg58Met (NM_001281492.2, NM_001406795.1, NM_001406796.1 and 9 more transcripts); c.-564G>T (NM_001281493.2, NM_001406811.1); c.-156G>T (NM_001406799.1); c.118G>T, p.Gly40Cys (NM_001406804.1); c.-756G>T (NM_001406807.1); c.-411G>T (NM_001406812.1); c.-822G>T (NM_001406814.1); c.-367G>T (NM_001406816.1); short protein forms G40C, R58M.
Identifiers: ClinVar variation 1779177 (VCV001779177.3), dbSNP rs1064795187, ClinGen allele CA346735001.

ClinVar aggregate classification (germline): Uncertain significance (1 of 4 stars; one submission).

Conditions:
Hereditary cancer-predisposing syndrome. Also called: Neoplastic Syndromes, Hereditary; Tumor predisposition; Hereditary Cancer Syndrome; Hereditary neoplastic syndrome. Identifiers: Orphanet 140162, MedGen C0027672, MeSH D009386, MONDO:0015356.

Submission:

Ambry Genetics
Classification: Uncertain significance for Hereditary cancer-predisposing syndrome. Last evaluated: 2025-04-01. Review status: criteria provided, single submitter. Criteria: Ambry Variant Classification Scheme 2023. Collection method: clinical testing. Allele origin: germline.
Comment: The p.R58M variant (also known as c.173G>T), located in coding exon 1 of the MSH6 gene, results from a G to T substitution at nucleotide position 173. The arginine at codon 58 is replaced by methionine, an amino acid with similar properties. This amino acid position is poorly conserved in available vertebrate species. In addition, this alteration is predicted to be tolerated by in silico analysis. Based on the available evidence, the clinical significance of this variant remains unclear.